The following is an entry in ClinVar:

NM_014989.7(RIMS1):c.3850+6C>T

Gene: RIMS1 (regulating synaptic membrane exocytosis 1; plus strand). Cytogenetic location: 6q13.
Variant type: single nucleotide variant.
Coding change: c.3850+6C>T on transcript NM_014989.7 (MANE Select); 6 bases into the intron after coding-DNA position 3850, C replaced by T.
Molecular consequence: intron variant.
Genome position (GRCh38, 1-based): chr6:72,292,052, C>T. VCF-style: chr6-72292052-C-T. GRCh37 (hg19) VCF-style: chr6-73001755-C-T.
Other names: c.1744+6C>T (NM_001350428.2); c.1672+6C>T (NM_001350459.2, NM_001350424.2); c.1753+6C>T (NM_001350437.2); c.1741+6C>T (NM_001350430.2, NM_001350414.2, NM_001350439.2 and 2 more transcripts); c.1669+6C>T (NM_001350421.2, NM_001350450.2); c.1819+6C>T (NM_001350458.2); c.1897+6C>T (NM_001350433.2); c.1996+6C>T (NM_001350446.2, NM_001350442.2); and 31 more.
Identifiers: ClinVar variation 967580 (VCV000967580.9), dbSNP rs764137197, ClinGen allele CA3886370.

ClinVar aggregate classification (germline): Uncertain significance (1 of 4 stars; one submission).

Allele frequency attached by ClinVar (database versions not stated): gnomAD exomes 0.00003 and 0.00009; ExAC 0.00004; gnomAD 0.00007; TOPMed 0.00010.
gnomAD v4.1: 135 of 1,532,968 alleles (0.0088%); highest among the groups gnomAD compares: South Asian, 0.015%; no homozygotes.

Submission:

Labcorp Genetics (formerly Invitae), Labcorp
Classification: Uncertain significance. Last evaluated: 2025-11-28. Review status: criteria provided, single submitter. Criteria: Invitae Variant Classification Sherloc (09022015). Collection method: clinical testing. Allele origin: germline.
Comment: This sequence change falls in intron 26 of the RIMS1 gene. It does not directly change the encoded amino acid sequence of the RIMS1 protein. It affects a nucleotide within the consensus splice site. This variant is present in population databases (rs764137197, gnomAD 0.01%). This variant has been observed in individual(s) with clinical features of cone-rod dystrophy (internal data). ClinVar contains an entry for this variant (Variation ID: 967580). Variants that disrupt the consensus splice site are a relatively common cause of aberrant splicing (PMID: 17576681, 9536098). Algorithms developed to predict the effect of sequence changes on RNA splicing suggest that this variant is not likely to affect RNA splicing. In summary, the available evidence is currently insufficient to determine the role of this variant in disease. Therefore, it has been classified as a Variant of Uncertain Significance.

Literature cited by the submitters: PubMed 17576681; PubMed 9536098.